The following is an entry in ClinVar:

NM_001195518.2(MICU1):c.468A>G (p.Ile156Met)

Gene: MICU1 (mitochondrial calcium uptake 1; minus strand). Cytogenetic location: 10q22.1.
Variant type: single nucleotide variant.
Coding change: c.468A>G on transcript NM_001195518.2 (MANE Select); coding-DNA position 468, A replaced by G.
Protein change: p.Ile156Met; replaces isoleucine 156 with methionine.
Molecular consequence: missense variant.
Genome position (GRCh38, 1-based): chr10:72,551,204, T>C on the plus strand (A>G on the coding strand, the complement: MICU1 is on the minus strand). VCF-style: chr10-72551204-T-C. GRCh37 (hg19) VCF-style: chr10-74310962-T-C.
Other names: c.468A>G, p.Ile156Met (NM_001363513.2, NM_006077.4); short protein forms I156M.
Identifiers: ClinVar variation 2100173 (VCV002100173.4), dbSNP rs2495642606, ClinGen allele CA377394873.
Genomic context (GRCh38, chr10:72,551,204, plus strand): 5'-ATATCACAGTCTTATATTTCACTTTAGCAACTTACGTTCTGGTTGTTTTTCATTGGGTGT[T>C]ATGGATCGCACAAAATCTTCTGGTGTCATAAACACTTCTGCTTCACCAGGCTCACTGATG-3'
Protein context (NP_001182447.1, residues 146-166): FMTPEDFVRS[Ile156Met]TPNEKQPEHL

ClinVar aggregate classification (germline): Uncertain significance (1 of 4 stars; one submission).

Submission:

Labcorp Genetics (formerly Invitae), Labcorp
Classification: Uncertain significance. Last evaluated: 2022-05-30. Review status: criteria provided, single submitter. Criteria: Invitae Variant Classification Sherloc (09022015). Collection method: clinical testing. Allele origin: germline.
Comment: This sequence change replaces isoleucine, which is neutral and non-polar, with methionine, which is neutral and non-polar, at codon 156 of the MICU1 protein (p.Ile156Met). This variant is not present in population databases (gnomAD no frequency). This variant has not been reported in the literature in individuals affected with MICU1-related conditions. Algorithms developed to predict the effect of missense changes on protein structure and function are either unavailable or do not agree on the potential impact of this missense change (SIFT: "Deleterious"; PolyPhen-2: "Not Available"; Align-GVGD: "Class C0"). In summary, the available evidence is currently insufficient to determine the role of this variant in disease. Therefore, it has been classified as a Variant of Uncertain Significance.